The following is an entry in ClinVar:

ClinVar aggregate classification (germline): Uncertain significance. Review status: criteria provided, multiple submitters, no conflicts (2 of 4 stars). 3 submissions from 3 submitters: Uncertain significance (2). 1 of the submissions does not count toward it. Last evaluated 2024-02-13.

Conditions:
Bardet-Biedl syndrome 2 (BBS2). Identifiers: Orphanet 110, MedGen C2936863, MONDO:0014432, OMIM 615981.
Retinitis pigmentosa 74 (RP74). Identifiers: Orphanet 791, MedGen C4225281, MONDO:0014692, OMIM 616562.
BBS2-related disorder. Also called: BBS2-related condition; BBS2-related disorders. Identifiers: MedGen CN239228.

Allele frequency attached by ClinVar (database versions not stated): gnomAD 0.00001; gnomAD exomes 0.00001; TOPMed below 0.00001; ExAC 0.00001.
gnomAD v4.1: 36 of 1,614,024 alleles (0.0022%); highest among the groups gnomAD compares: Non-Finnish European, 0.003%; no homozygotes.

Submissions (3):

Fulgent Genetics
Classification: Uncertain significance for Bardet-Biedl syndrome 2; Retinitis pigmentosa 74. Last evaluated: 2024-02-13. Review status: criteria provided, single submitter. Criteria: ACMG Guidelines, 2015. Collection method: clinical testing. Allele origin: germline.

GeneDx
Classification: Uncertain significance. Last evaluated: 2020-02-03. Review status: criteria provided, single submitter. Criteria: GeneDx Variant Classification Process June 2021. Collection method: clinical testing. Allele origin: germline. Affected: yes.
Comment: Not observed at a significant frequency in large population cohorts (Lek et al., 2016); In silico analysis supports that this missense variant has a deleterious effect on protein structure/function; Has not been previously published as pathogenic or benign to our knowledge

PreventionGenetics, part of Exact Sciences
Classification: Uncertain significance for BBS2-related condition. Last evaluated: 2023-11-29. Review status: no assertion criteria provided. Collection method: clinical testing. Allele origin: germline. Not counted in ClinVar's aggregate classification.
Comment: The BBS2 c.827C>G variant is predicted to result in the amino acid substitution p.Thr276Ser. To our knowledge, this variant has not been reported in the literature. This variant is reported in 0.0018% of alleles in individuals of European (Non-Finnish) descent in gnomAD. At this time, the clinical significance of this variant is uncertain due to the absence of conclusive functional and genetic evidence.

NM_031885.5(BBS2):c.827C>G (p.Thr276Ser)

Gene: BBS2 (Bardet-Biedl syndrome 2; minus strand). Cytogenetic location: 16q13.
Variant type: single nucleotide variant.
Coding change: c.827C>G on transcript NM_031885.5 (MANE Select); coding-DNA position 827, C replaced by G.
Protein change: p.Thr276Ser; replaces threonine 276 with serine.
Molecular consequence: missense variant. On other transcripts: non-coding transcript variant (5).
Genome position (GRCh38, 1-based): chr16:56,502,786, G>C on the plus strand (C>G on the coding strand, the complement: BBS2 is on the minus strand). VCF-style: chr16-56502786-G-C. GRCh37 (hg19) VCF-style: chr16-56536698-G-C.
Other names: c.827C>G, p.Thr276Ser (NM_001377456.1); short protein forms T276S.
Identifiers: ClinVar variation 1315297 (VCV001315297.4), dbSNP rs776282237, ClinGen allele CA8065905.